The following is an entry in ClinVar:

ClinVar aggregate classification (germline): Uncertain significance (1 of 4 stars; one submission).

Conditions:
Long QT syndrome (LQTS). Identifiers: MedGen C0023976, MeSH D008133, MONDO:0002442. Disease mechanism: loss of function. Inheritance: Various modes of inheritance.

Submission:

Labcorp Genetics (formerly Invitae), Labcorp
Classification: Uncertain significance for Long QT syndrome. Last evaluated: 2023-08-01. Review status: criteria provided, single submitter. Criteria: Invitae Variant Classification Sherloc (09022015). Collection method: clinical testing. Allele origin: germline.
Comment: Advanced modeling of protein sequence and biophysical properties (such as structural, functional, and spatial information, amino acid conservation, physicochemical variation, residue mobility, and thermodynamic stability) performed at Invitae indicates that this missense variant is not expected to disrupt KCNJ5 protein function. This sequence change replaces leucine, which is neutral and non-polar, with phenylalanine, which is neutral and non-polar, at codon 110 of the KCNJ5 protein (p.Leu110Phe). This variant is not present in population databases (gnomAD no frequency). This variant has not been reported in the literature in individuals affected with KCNJ5-related conditions. In summary, the available evidence is currently insufficient to determine the role of this variant in disease. Therefore, it has been classified as a Variant of Uncertain Significance.

NM_000890.5(KCNJ5):c.328C>T (p.Leu110Phe)

Gene: KCNJ5 (potassium inwardly rectifying channel subfamily J member 5; plus strand). Cytogenetic location: 11q24.3.
Variant type: single nucleotide variant.
Coding change: c.328C>T on transcript NM_000890.5 (MANE Select); coding-DNA position 328, C replaced by T.
Protein change: p.Leu110Phe; replaces leucine 110 with phenylalanine.
Molecular consequence: missense variant.
Genome position (GRCh38, 1-based): chr11:128,911,601, C>T. VCF-style: chr11-128911601-C-T. GRCh37 (hg19) VCF-style: chr11-128781496-C-T.
Other names: c.328C>T, p.Leu110Phe (NM_001354169.2); short protein forms L110F.
Identifiers: ClinVar variation 2711843 (VCV002711843.3), dbSNP rs2497722934, ClinGen allele CA383247222.